The following is an entry in ClinVar:

NM_000540.3(RYR1):c.6796G>T (p.Gly2266Cys)

Gene: RYR1 (ryanodine receptor 1; plus strand). Cytogenetic location: 19q13.2.
Variant type: single nucleotide variant.
Coding change: c.6796G>T on transcript NM_000540.3 (MANE Select); coding-DNA position 6796, G replaced by T.
Protein change: p.Gly2266Cys; replaces glycine 2266 with cysteine.
Molecular consequence: missense variant.
Genome position (GRCh38, 1-based): chr19:38,496,541, G>T. VCF-style: chr19-38496541-G-T. GRCh37 (hg19) VCF-style: chr19-38987181-G-T.
Other names: c.6796G>T, p.Gly2266Cys (NM_001042723.2); short protein forms G2266C.
Identifiers: ClinVar variation 956206 (VCV000956206.13), dbSNP rs772803714, ClinGen allele CA068724.

ClinVar aggregate classification (germline): Uncertain significance. Review status: criteria provided, multiple submitters, no conflicts (2 of 4 stars). 3 submissions from 3 submitters: Uncertain significance (3). Last evaluated 2025-11-24.

Conditions:
Malignant hyperthermia, susceptibility to, 1 (MHS1). Also called: RYR1-Related Malignant Hyperthermia Susceptibility; Malignant hyperthermia suceptibility 1; Anesthesia related hyperthermia; Malignant hyperpyrexia; Fulminating hyperpyrexia; Pharmacogenic myopathy. Identifiers: Orphanet 423, MedGen C2930980, MONDO:0007783, OMIM 145600.
King Denborough syndrome (KDS). Identifiers: MedGen C1840365, MONDO:0020485, OMIM 619542.
Central core myopathy (CMYO1A). Also called: CONGENITAL MYOPATHY 1A, AUTOSOMAL DOMINANT, WITH SUSCEPTIBILITY TO MALIGNANT HYPERTHERMIA; Central core disease; Myopathy, central fibrillar. Identifiers: Orphanet 597, MedGen C5830701, MONDO:0007294, OMIM 117000.
Congenital multicore myopathy with external ophthalmoplegia (CMYO1B). Also called: MULTICORE MYOPATHY; Congenital myopathy 1B, autosomal recessive; Minicore myopathy; Minicore myopathy with external ophthalmoplegia; MULTIMINICORE DISEASE WITH EXTERNAL OPHTHALMOPLEGIA. Identifiers: Orphanet 598, Orphanet 98905, MedGen C1850674, MONDO:0009712, OMIM 255320, HP:0003789.
Congenital myopathy with fiber type disproportion. Also called: Congenital fiber-type disproportion myopathy; Congenital fiber-type disproportion. Identifiers: Orphanet 2020, MedGen C0546264, MONDO:0009711. Inheritance: all.
RYR1-related disorder. Also called: RYR1-related condition; RYR1-related disorders. Identifiers: MedGen CN239331.

gnomAD v4.1: 1 of 1,613,262 alleles (0.000062%); highest among the groups gnomAD compares: Admixed American, 0.0017%; no homozygotes.

Submissions (3):

Labcorp Genetics (formerly Invitae), Labcorp
Classification: Uncertain significance for RYR1-related disorder. Last evaluated: 2025-11-24. Review status: criteria provided, single submitter. Criteria: Invitae Variant Classification Sherloc (09022015). Collection method: clinical testing. Allele origin: germline.
Comment: This sequence change replaces glycine, which is neutral and non-polar, with cysteine, which is neutral and slightly polar, at codon 2266 of the RYR1 protein (p.Gly2266Cys). This variant also falls at the last nucleotide of exon 41, which is part of the consensus splice site for this exon. This variant is present in population databases (rs772803714, gnomAD 0.003%). This variant has not been reported in the literature in individuals affected with RYR1-related conditions. ClinVar contains an entry for this variant (Variation ID: 956206). An algorithm developed to predict the effect of missense changes on protein structure and function (PolyPhen-2) suggests that this variant is likely to be disruptive. Variants that disrupt the consensus splice site are a relatively common cause of aberrant splicing (PMID: 17576681, 9536098). In summary, the available evidence is currently insufficient to determine the role of this variant in disease. Therefore, it has been classified as a Variant of Uncertain Significance.

GeneDx
Classification: Uncertain significance. Last evaluated: 2024-08-19. Review status: criteria provided, single submitter. Criteria: GeneDx Variant Classification Process June 2021. Collection method: clinical testing. Allele origin: germline. Affected: yes.
Comment: In silico analysis supports that this missense variant has a deleterious effect on protein structure/function; Has not been previously published as pathogenic or benign to our knowledge; In silico analysis supports a deleterious effect on splicing; Not observed at significant frequency in large population cohorts (gnomAD); This variant is associated with the following publications: (PMID: 32686686, 12668474, 33767344)

Fulgent Genetics
Classification: Uncertain significance for Central core myopathy; Malignant hyperthermia, susceptibility to, 1; Congenital myopathy 4A, autosomal dominant; Congenital multicore myopathy with external ophthalmoplegia; King Denborough syndrome. Last evaluated: 2021-08-27. Review status: criteria provided, single submitter. Criteria: ACMG Guidelines, 2015. Collection method: clinical testing. Allele origin: unknown.

Literature cited by the submitters: PubMed 17576681 (cited by Labcorp Genetics (formerly Invitae), Labcorp); PubMed 9536098 (cited by Labcorp Genetics (formerly Invitae), Labcorp).